The following is an entry in ClinVar:

NM_016038.4(SBDS):c.217A>C (p.Ser73Arg)

Gene: SBDS (SBDS ribosome maturation factor; minus strand). Cytogenetic location: 7q11.21.
Variant type: single nucleotide variant.
Coding change: c.217A>C on transcript NM_016038.4 (MANE Select); coding-DNA position 217, A replaced by C.
Protein change: p.Ser73Arg; replaces serine 73 with arginine.
Molecular consequence: missense variant.
Genome position (GRCh38, 1-based): chr7:66,994,253, T>G on the plus strand (A>C on the coding strand, the complement: SBDS is on the minus strand). VCF-style: chr7-66994253-T-G. GRCh37 (hg19) VCF-style: chr7-66459240-T-G.
Other names: short protein forms S73R.
Identifiers: ClinVar variation 1787231 (VCV001787231.3), dbSNP rs1458246433, ClinGen allele CA367651987.

ClinVar aggregate classification (germline): Uncertain significance (1 of 4 stars; one submission).

Conditions:
Inborn genetic diseases. Identifiers: MedGen C0950123, MeSH D030342.

Allele frequency attached by ClinVar (database versions not stated): gnomAD exomes below 0.00001; gnomAD 0.00001; TOPMed 0.00001.

Submission:

Ambry Genetics
Classification: Uncertain significance for Inborn genetic diseases. Last evaluated: 2025-01-06. Review status: criteria provided, single submitter. Criteria: Ambry Variant Classification Scheme 2023. Collection method: clinical testing. Allele origin: germline.
Comment: The p.S73R variant (also known as c.217A>C), located in coding exon 2 of the SBDS gene, results from an A to C substitution at nucleotide position 217. The serine at codon 73 is replaced by arginine, an amino acid with dissimilar properties. This amino acid position is conserved. In addition, the in silico prediction for this alteration is inconclusive. Since supporting evidence is limited at this time, the clinical significance of this alteration remains unclear.